The following is an entry in ClinVar:

ClinVar aggregate classification (germline): Conflicting classifications of pathogenicity. Review status: criteria provided, conflicting classifications (1 of 4 stars). 6 submissions from 6 submitters: Uncertain significance (4); Likely benign (1). 1 of the submissions does not count toward it. Last evaluated 2024-09-20.

Conditions:
Inborn genetic diseases. Identifiers: MedGen C0950123, MeSH D030342.
Hereditary insensitivity to pain with anhidrosis (CIPA). Also called: hereditary sensory and autonomic neuropathy type 4; NEUROPATHY, CONGENITAL SENSORY, WITH ANHIDROSIS; INSENSITIVITY TO PAIN, CONGENITAL, WITH ANHIDROSIS; HSAN Type IV; NTRK1 Congenital Insensitivity to Pain with Anhidrosis; FAMILIAL DYSAUTONOMIA, TYPE II. Identifiers: Orphanet 642, MedGen C0020074, MONDO:0009746, OMIM 256800.

Allele frequency attached by ClinVar (database versions not stated): gnomAD 0.00001 and 0.00003; TOPMed 0.00001; gnomAD exomes 0.00003; ExAC 0.00004.
gnomAD v4.1: 38 of 1,613,994 alleles (0.0024%); highest among the groups gnomAD compares: South Asian, 0.02%; no homozygotes.

Submissions (6):

3billion
Classification: Likely benign for Hereditary insensitivity to pain with anhidrosis. Last evaluated: 2024-09-20. Review status: criteria provided, single submitter. Criteria: ACMG Guidelines, 2015. Collection method: clinical testing. Allele origin: germline. Affected: no.
Comment: The homozygous variant was found in patients diagnosed with another variant in a different gene, with no symptoms related to the gene containing the homozygous variant.

Ambry Genetics
Classification: Uncertain significance for Inborn genetic diseases. Last evaluated: 2024-04-17. Review status: criteria provided, single submitter. Criteria: Ambry Variant Classification Scheme 2023. Collection method: clinical testing. Allele origin: germline.

Genome-Nilou Lab
Classification: Uncertain significance for Hereditary insensitivity to pain with anhidrosis. Last evaluated: 2023-04-11. Review status: criteria provided, single submitter. Criteria: ACMG Guidelines, 2015. Collection method: clinical testing. Allele origin: germline. Affected: no.

Labcorp Genetics (formerly Invitae), Labcorp
Classification: Uncertain significance for Hereditary insensitivity to pain with anhidrosis. Last evaluated: 2022-03-22. Review status: criteria provided, single submitter. Criteria: Invitae Variant Classification Sherloc (09022015). Collection method: clinical testing. Allele origin: germline.
Comment: This sequence change replaces arginine, which is basic and polar, with histidine, which is basic and polar, at codon 104 of the NTRK1 protein (p.Arg104His). This variant is present in population databases (rs578095133, gnomAD 0.01%). This variant has not been reported in the literature in individuals affected with NTRK1-related conditions. ClinVar contains an entry for this variant (Variation ID: 456617). Advanced modeling of protein sequence and biophysical properties (such as structural, functional, and spatial information, amino acid conservation, physicochemical variation, residue mobility, and thermodynamic stability) performed at Invitae indicates that this missense variant is not expected to disrupt NTRK1 protein function. In summary, the available evidence is currently insufficient to determine the role of this variant in disease. Therefore, it has been classified as a Variant of Uncertain Significance.

CeGaT Center for Human Genetics Tuebingen
Classification: Uncertain significance. Last evaluated: 2021-09-01. Review status: criteria provided, single submitter. Criteria: CeGaT Center For Human Genetics Tuebingen Variant Classification Criteria Version 2. Collection method: clinical testing. Allele origin: germline. Affected: yes. Observed: 1 variant allele.

Natera, Inc.
Classification: Uncertain significance for Hereditary insensitivity to pain with anhidrosis. Last evaluated: 2019-11-11. Review status: no assertion criteria provided. Collection method: clinical testing. Allele origin: germline. Not counted in ClinVar's aggregate classification.

NM_002529.4(NTRK1):c.311G>A (p.Arg104His)

Gene: NTRK1 (neurotrophic receptor tyrosine kinase 1; plus strand). Cytogenetic location: 1q23.1.
Variant type: single nucleotide variant.
Coding change: c.311G>A on transcript NM_002529.4 (MANE Select); coding-DNA position 311, G replaced by A.
Protein change: p.Arg104His; replaces arginine 104 with histidine.
Molecular consequence: missense variant.
Genome position (GRCh38, 1-based): chr1:156,864,751, G>A. VCF-style: chr1-156864751-G-A. GRCh37 (hg19) VCF-style: chr1-156834543-G-A.
Other names: c.221G>A, p.Arg74His (NM_001007792.1); c.311G>A, p.Arg104His (NM_001012331.2); short protein forms R74H, R104H.
Identifiers: ClinVar variation 456617 (VCV000456617.44), dbSNP rs578095133, ClinGen allele CA1168910.
Genomic context (GRCh38, chr1:156,864,751, plus strand): 5'-GAGACCTGGGGACTGATCCTCCTGCACCCCTCCCCAGCACCATCGTGAAGAGTGGTCTCC[G>A]TTTCGTGGCGCCAGATGCCTTCCATTTCACTCCTCGGCTCAGTCGCCTGTGAGTGTGGCC-3'
Protein context (NP_002520.2, residues 94-114): RNLTIVKSGL[Arg104His]FVAPDAFHFT